The following is an entry in ClinVar:

NM_020975.6(RET):c.3287A>G (p.Tyr1096Cys)

Gene: RET (ret proto-oncogene; plus strand). Cytogenetic location: 10q11.21.
Variant type: single nucleotide variant.
Coding change: c.3287A>G on transcript NM_020975.6 (MANE Select); coding-DNA position 3287, A replaced by G.
Protein change: p.Tyr1096Cys; replaces tyrosine 1096 with cysteine.
Molecular consequence: missense variant.
Genome position (GRCh38, 1-based): chr10:43,128,211, A>G. VCF-style: chr10-43128211-A-G. GRCh37 (hg19) VCF-style: chr10-43623659-A-G.
Other names: c.3287A>G (LRG_518t1); short protein forms Y1096C.
Identifiers: ClinVar variation 543742 (VCV000543742.17), dbSNP rs768752146, ClinGen allele CA054997.

ClinVar aggregate classification (germline): Uncertain significance. Review status: criteria provided, multiple submitters, no conflicts (2 of 4 stars). 5 submissions from 5 submitters: Uncertain significance (5). Last evaluated 2025-09-10.

Conditions:
Multiple endocrine neoplasia, type 2 (MEN2). Identifiers: Orphanet 653, MedGen C4048306, MONDO:0019003. Disease mechanism: gain of function.
Hereditary cancer-predisposing syndrome. Also called: Neoplastic Syndromes, Hereditary; Hereditary Cancer Syndrome; Tumor predisposition; Hereditary neoplastic syndrome. Identifiers: Orphanet 140162, MedGen C0027672, MeSH D009386, MONDO:0015356.
Pheochromocytoma. Also called: MAX-Related Hereditary Paraganglioma-Pheochromocytoma Syndrome. Identifiers: Orphanet 29072, MedGen C0031511, MONDO:0008233, OMIM 171300, HP:0002666.
Familial medullary thyroid carcinoma (MTC). Also called: Thyroid cancer, familial medullary; MTC, familial; Familial Medullary Thyroid Carcinoma (FMTC). Identifiers: Orphanet 653, Orphanet 99361, MedGen C1833921, MONDO:0007958, OMIM 155240.
Multiple endocrine neoplasia type 2B. Also called: Multiple endocrine neoplasia, type 3; MULTIPLE ENDOCRINE NEOPLASIA, TYPE IIB; MUCOSAL NEUROMA SYNDROME; MEN 2B; Multiple Endocrine Neoplasia Type 2B (MEN2B); MEN IIB. Identifiers: Orphanet 247709, Orphanet 653, MedGen C0025269, MeSH D018814, MONDO:0008082, OMIM 162300.
Multiple endocrine neoplasia type 2A. Also called: MULTIPLE ENDOCRINE NEOPLASIA, TYPE IIA; PTC SYNDROME; SIPPLE SYNDROME; MEN 2A; MEN-2A syndrome; Pheochromocytoma and amyloid producing medullary thyroid carcinoma. Identifiers: Orphanet 247698, Orphanet 653, MedGen C0025268, MeSH D018813, MONDO:0008234, OMIM 171400.
Hirschsprung disease, susceptibility to, 1 (HSCR1). Also called: RET-Related Hirschsprung Disease. Identifiers: Orphanet 388, MedGen C3888239, MONDO:0007723, OMIM 142623.

Allele frequency attached by ClinVar (database versions not stated): ExAC 0.00001; gnomAD 0.00001; gnomAD exomes 0.00001.
gnomAD v4.1: 8 of 1,614,118 alleles (0.0005%); highest among the groups gnomAD compares: Middle Eastern, 0.033%; no homozygotes.

Submissions (5):

Color Diagnostics, LLC DBA Color Health
Classification: Uncertain significance for Multiple endocrine neoplasia, type 2. Last evaluated: 2025-09-10. Review status: criteria provided, single submitter. Criteria: ACMG Guidelines, 2015. Collection method: clinical testing. Allele origin: germline.
Comment: This missense variant replaces tyrosine with cysteine at codon 1096 of the RET protein. Computational prediction is inconclusive regarding the impact of this variant on protein structure and function. To our knowledge, functional studies have not been reported for this variant. This variant has not been reported in individuals affected with hereditary cancer in the literature. This variant has been identified in 2/251494 chromosomes in the general population by the Genome Aggregation Database (gnomAD). The available evidence is insufficient to determine the role of this variant in disease conclusively. Therefore, this variant is classified as a Variant of Uncertain Significance.

Ambry Genetics
Classification: Uncertain significance for Hereditary cancer-predisposing syndrome. Last evaluated: 2025-03-24. Review status: criteria provided, single submitter. Criteria: Ambry Variant Classification Scheme 2023. Collection method: clinical testing. Allele origin: germline.
Comment: The p.Y1096C variant (also known as c.3287A>G), located in coding exon 20 of the RET gene, results from an A to G substitution at nucleotide position 3287. The tyrosine at codon 1096 is replaced by cysteine, an amino acid with highly dissimilar properties. This amino acid position is highly conserved in available vertebrate species. In addition, this alteration is predicted to be deleterious by in silico analysis. Based on the available evidence, the clinical significance of this variant remains unclear.

Labcorp Genetics (formerly Invitae), Labcorp
Classification: Uncertain significance for Multiple endocrine neoplasia, type 2. Last evaluated: 2025-03-05. Review status: criteria provided, single submitter. Criteria: Invitae Variant Classification Sherloc (09022015). Collection method: clinical testing. Allele origin: germline.
Comment: This sequence change replaces tyrosine, which is neutral and polar, with cysteine, which is neutral and slightly polar, at codon 1096 of the RET protein (p.Tyr1096Cys). This variant is present in population databases (rs768752146, gnomAD 0.002%). This variant has not been reported in the literature in individuals affected with RET-related conditions. ClinVar contains an entry for this variant (Variation ID: 543742). An algorithm developed to predict the effect of missense changes on protein structure and function (PolyPhen-2) suggests that this variant is likely to be disruptive. Algorithms developed to predict the effect of sequence changes on RNA splicing suggest that this variant may create or strengthen a splice site. In summary, the available evidence is currently insufficient to determine the role of this variant in disease. Therefore, it has been classified as a Variant of Uncertain Significance.

Fulgent Genetics
Classification: Uncertain significance for Hirschsprung disease, susceptibility to, 1; Familial medullary thyroid carcinoma; Multiple endocrine neoplasia type 2B; Pheochromocytoma; Multiple endocrine neoplasia type 2A. Last evaluated: 2024-04-12. Review status: criteria provided, single submitter. Criteria: ACMG Guidelines, 2015. Collection method: clinical testing. Allele origin: germline.

All of Us Research Program, National Institutes of Health
Classification: Uncertain significance for Multiple endocrine neoplasia, type 2. Last evaluated: 2023-05-04. Review status: criteria provided, single submitter. Criteria: ACMG Guidelines, 2015. Collection method: clinical testing. Allele origin: germline. Inheritance: Autosomal dominant inheritance. Observed: 1 variant allele, 1 heterozygote.
Comment: This missense variant replaces tyrosine with cysteine at codon 1096 of the RET protein. Computational prediction is inconclusive regarding the impact of this variant on protein structure and function (internally defined REVEL score threshold 0.5 < inconclusive < 0.7, PMID: 27666373). To our knowledge, functional studies have not been reported for this variant. This variant has not been reported in individuals affected with hereditary cancer in the literature. This variant has been identified in 2/251494 chromosomes in the general population by the Genome Aggregation Database (gnomAD). The available evidence is insufficient to determine the role of this variant in disease conclusively. Therefore, this variant is classified as a Variant of Uncertain Significance.

This study involves interpretation of variants in research participants for the purpose of population health screening. Participant phenotype was not available at the time of variant classification. Additional details can be found in publication PMID: 35346344, PMCID: PMC8962531